The following is an entry in ClinVar:

NM_018685.5(ANLN):c.1819A>G (p.Met607Val)

Gene: ANLN (anillin, actin binding protein; plus strand). Cytogenetic location: 7p14.2.
Variant type: single nucleotide variant.
Coding change: c.1819A>G on transcript NM_018685.5 (MANE Select); coding-DNA position 1819, A replaced by G.
Protein change: p.Met607Val; replaces methionine 607 with valine.
Molecular consequence: missense variant.
Genome position (GRCh38, 1-based): chr7:36,419,429, A>G. VCF-style: chr7-36419429-A-G. GRCh37 (hg19) VCF-style: chr7-36459038-A-G.
Other names: c.1708A>G, p.Met570Val (NM_001284301.3); c.1705A>G, p.Met569Val (NM_001284302.3); short protein forms M569V, M607V, M570V.
Identifiers: ClinVar variation 4710836 (VCV004710836.1).

ClinVar aggregate classification (germline): Uncertain significance (1 of 4 stars; one submission).

gnomAD v4.1: 8 of 1,614,122 alleles (0.0005%); highest among the groups gnomAD compares: Middle Eastern, 0.016%; no homozygotes.

Submission:

Labcorp Genetics (formerly Invitae), Labcorp
Classification: Uncertain significance. Last evaluated: 2025-11-11. Review status: criteria provided, single submitter. Criteria: Invitae Variant Classification Sherloc (09022015). Collection method: clinical testing. Allele origin: germline.
Comment: This sequence change replaces methionine, which is neutral and non-polar, with valine, which is neutral and non-polar, at codon 607 of the ANLN protein (p.Met607Val). This variant is present in population databases (rs201109913, gnomAD 0.005%). This variant has not been reported in the literature in individuals affected with ANLN-related conditions. Invitae Evidence Modeling of protein sequence and biophysical properties (such as structural, functional, and spatial information, amino acid conservation, physicochemical variation, residue mobility, and thermodynamic stability) indicates that this missense variant is expected to disrupt ANLN protein function with a positive predictive value of 80%. In summary, the available evidence is currently insufficient to determine the role of this variant in disease. Therefore, it has been classified as a Variant of Uncertain Significance.